The following is an entry in ClinVar:

NM_001165963.4(SCN1A):c.4259T>G (p.Phe1420Cys)

Genes: SCN1A (sodium voltage-gated channel alpha subunit 1; minus strand), LOC102724058 (uncharacterized LOC102724058; plus strand). Cytogenetic location: 2q24.3.
Variant type: single nucleotide variant.
Coding change: c.4259T>G on transcript NM_001165963.4 (MANE Select); coding-DNA position 4259, T replaced by G.
Protein change: p.Phe1420Cys; replaces phenylalanine 1420 with cysteine.
Molecular consequence: missense variant. On other transcripts: non-coding transcript variant (1).
Genome position (GRCh38, 1-based): chr2:166,002,497, A>C on the plus strand (T>G on the coding strand, the complement: SCN1A is on the minus strand). VCF-style: chr2-166002497-A-C. GRCh37 (hg19) VCF-style: chr2-166859007-A-C.
Other names: c.4226T>G, p.Phe1409Cys (NM_001353952.2, NM_006920.6, NM_001353949.2 and 2 more transcripts); c.4223T>G, p.Phe1408Cys (NM_001353954.2, NM_001353955.2); c.4175T>G, p.Phe1392Cys (NM_001353957.2, NM_001353958.2, NM_001165964.3); c.4172T>G, p.Phe1391Cys (NM_001353960.2); c.1817T>G, p.Phe606Cys (NM_001353961.2); c.4259T>G, p.Phe1420Cys (NM_001202435.3, NM_001353948.2); short protein forms F1391C, F1392C, F1408C, F1409C, F1420C, F606C.
Identifiers: ClinVar variation 4864128 (VCV004864128.1).
Genomic context (GRCh38, chr2:166,002,497, plus strand): 5'-AATAAAAATATTCAGAGAAAATAGTGTTCACTTACAACTTGAAGCAAAGAGAGATACCCA[A>C]ATCCTACATTATCAAAGTTTACTTTCACATTTTTCCATCGAGCAGTCTCATTTCTTTCTA-3'
Protein context (NP_001159435.1, residues 1410-1430): NVKVNFDNVG[Phe1420Cys]GYLSLLQVAT

ClinVar aggregate classification (germline): Uncertain significance (1 of 4 stars; one submission).

Conditions:
Inborn genetic diseases. Identifiers: MedGen C0950123, MeSH D030342.

Submission:

Ambry Genetics
Classification: Uncertain significance for Inborn genetic diseases. Last evaluated: 2026-05-15. Review status: criteria provided, single submitter. Criteria: Ambry Variant Classification Scheme 2023. Collection method: clinical testing. Allele origin: germline.
Comment: The c.4259T>G (p.F1420C) alteration is located in exon 21 (coding exon 21) of the SCN1A gene. This alteration results from a T to G substitution at nucleotide position 4259, causing the phenylalanine (F) at amino acid position 1420 to be replaced by a cysteine (C). This variant was not reported in population-based cohorts in the Genome Aggregation Database (gnomAD). This amino acid position is not well conserved in available vertebrate species. This alteration is predicted to be deleterious by in silico analysis. Based on insufficient or conflicting evidence, the clinical significance of this alteration remains unclear.